The following is an entry in ClinVar:

NM_001366521.1(ATP2B1):c.2893C>G (p.His965Asp)

Gene: ATP2B1 (ATPase plasma membrane Ca2+ transporting 1; minus strand). Cytogenetic location: 12q21.33.
Variant type: single nucleotide variant.
Coding change: c.2893C>G on transcript NM_001366521.1 (MANE Select); coding-DNA position 2893, C replaced by G.
Protein change: p.His965Asp; replaces histidine 965 with aspartic acid.
Molecular consequence: missense variant.
Genome position (GRCh38, 1-based): chr12:89,603,210, G>C on the plus strand (C>G on the coding strand, the complement: ATP2B1 is on the minus strand). VCF-style: chr12-89603210-G-C. GRCh37 (hg19) VCF-style: chr12-89996987-G-C.
Other names: c.2893C>G, p.His965Asp (NM_001001323.2, NM_001366520.1, NM_001366522.1 and 12 more transcripts); c.2695C>G, p.His899Asp (NM_001366530.1, NM_001413053.1); c.2332C>G, p.His778Asp (NM_001366531.1, NM_001366532.1, NM_001413058.1 and 2 more transcripts); c.2854C>G, p.His952Asp (NM_001413048.1); c.2752C>G, p.His918Asp (NM_001413051.1, NM_001413052.1, NM_001413055.1); c.2650C>G, p.His884Asp (NM_001413054.1); c.2638C>G, p.His880Asp (NM_001413056.1); c.2440C>G, p.His814Asp (NM_001413057.1); short protein forms H880D, H814D, H884D, H899D, H952D, H965D, H778D, H918D.
Identifiers: ClinVar variation 2328352 (VCV002328352.2), dbSNP rs2540786739, ClinGen allele CA386002436.
Genomic context (GRCh38, chr12:89,603,210, plus strand): 5'-AAAGTTGCATCAGCACAAAGGTATTAAAAACAATAGTATAATGTTCTGAAGGAGGAGCAT[G>C]CAAAGGAGCATTTCTTCCACTATCAATGTCAAAAAACTTTTCTCCTGAAAGAATGAAAAA-3'
Protein context (NP_001353450.1, residues 955-975): DIDSGRNAPL[His965Asp]APPSEHYTIV

ClinVar aggregate classification (germline): Uncertain significance (1 of 4 stars; one submission).

Conditions:
Inborn genetic diseases. Identifiers: MedGen C0950123, MeSH D030342.

Submission:

Ambry Genetics
Classification: Uncertain significance for Inborn genetic diseases. Last evaluated: 2022-12-29. Review status: criteria provided, single submitter. Criteria: Ambry Variant Classification Scheme 2023. Collection method: clinical testing. Allele origin: germline.
Comment: The c.2893C>G (p.H965D) alteration is located in exon 17 (coding exon 17) of the ATP2B1 gene. This alteration results from a C to G substitution at nucleotide position 2893, causing the histidine (H) at amino acid position 965 to be replaced by an aspartic acid (D). This variant was not reported in population-based cohorts in the Genome Aggregation Database (gnomAD). This amino acid position is highly conserved in available vertebrate species. This missense alteration is located in a region that has a low rate of benign missense variation (Lek, 2016; Firth, 2009). This alteration is predicted to be deleterious by in silico analysis. Based on insufficient or conflicting evidence, the clinical significance of this alteration remains unclear.